The following is an entry in ClinVar:

NM_201599.3(ZMYM3):c.3122G>A (p.Arg1041Gln)

Gene: ZMYM3 (zinc finger MYM-type containing 3; minus strand). Cytogenetic location: Xq13.1.
Variant type: single nucleotide variant.
Coding change: c.3122G>A on transcript NM_201599.3 (MANE Select); coding-DNA position 3122, G replaced by A.
Protein change: p.Arg1041Gln; replaces arginine 1041 with glutamine.
Molecular consequence: missense variant.
Genome position (GRCh38, 1-based): chrX:71,244,460, C>T on the plus strand (G>A on the coding strand, the complement: ZMYM3 is on the minus strand). VCF-style: chrX-71244460-C-T. GRCh37 (hg19) VCF-style: chrX-70464310-C-T.
Other names: c.3086G>A, p.Arg1029Gln (NM_001171162.1); c.3122G>A, p.Arg1041Gln (NM_005096.3); short protein forms R1029Q, R1041Q.
Identifiers: ClinVar variation 2582045 (VCV002582045.1), dbSNP rs1191220046, ClinGen allele CA413507952.

ClinVar aggregate classification (germline): Uncertain significance (1 of 4 stars; one submission).

gnomAD v4.1: 2 of 1,210,677 alleles (0.00017%); highest among the groups gnomAD compares: South Asian, 0.0018%; no homozygotes.

Submission:

GeneDx
Classification: Uncertain significance. Last evaluated: 2023-03-24. Review status: criteria provided, single submitter. Criteria: GeneDx Variant Classification Process June 2021. Collection method: clinical testing. Allele origin: germline. Affected: yes.
Comment: Not observed at significant frequency in large population cohorts (gnomAD); In silico analysis supports that this missense variant has a deleterious effect on protein structure/function; Has not been previously published as pathogenic or benign to our knowledge